The following is an entry in ClinVar:

NM_015915.5(ATL1):c.1587T>C (p.Ser529=)

Gene: ATL1 (atlastin GTPase 1; plus strand). Cytogenetic location: 14q22.1.
Variant type: single nucleotide variant.
Coding change: c.1587T>C on transcript NM_015915.5 (MANE Select); coding-DNA position 1587, T replaced by C.
Protein change: p.Ser529=; no amino-acid change (serine 529 retained).
Molecular consequence: synonymous variant.
Genome position (GRCh38, 1-based): chr14:50,632,249, T>C. VCF-style: chr14-50632249-T-C. GRCh37 (hg19) VCF-style: chr14-51098967-T-C.
Other names: c.1572T>C, p.Ser524= (NM_001127713.1, NM_181598.4).
Identifiers: ClinVar variation 4993610 (VCV004993610.1).

ClinVar aggregate classification (germline): Likely benign (1 of 4 stars; one submission).

Conditions:
ATL1-related disorder. Also called: ATL1-related condition.

Submission:

PreventionGenetics, part of Exact Sciences
Classification: Likely benign for ATL1-related condition. Last evaluated: 2026-01-07. Review status: criteria provided, single submitter. Criteria: ACMG Guidelines, 2015. Collection method: clinical testing. Allele origin: germline.
Comment: This variant is classified as likely benign based on ACMG/AMP sequence variant interpretation guidelines (Richards et al. 2015 PMID: 25741868, with internal and published modifications).